The following is an entry in ClinVar:

NM_021008.4(DEAF1):c.1100A>C (p.Gln367Pro)

Gene: DEAF1 (DEAF1 transcription factor; minus strand). Cytogenetic location: 11p15.5.
Variant type: single nucleotide variant.
Coding change: c.1100A>C on transcript NM_021008.4 (MANE Select); coding-DNA position 1100, A replaced by C.
Protein change: p.Gln367Pro; replaces glutamine 367 with proline.
Molecular consequence: missense variant.
Genome position (GRCh38, 1-based): chr11:679,714, T>G on the plus strand (A>C on the coding strand, the complement: DEAF1 is on the minus strand). VCF-style: chr11-679714-T-G. GRCh37 (hg19) VCF-style: chr11-679714-T-G.
Other names: c.833A>C, p.Gln278Pro (NM_001293634.2); c.374A>C, p.Gln125Pro (NM_001367390.1); short protein forms Q278P, Q125P, Q367P.
Identifiers: ClinVar variation 2042404 (VCV002042404.4), dbSNP rs762624710, ClinGen allele CA5786330.

ClinVar aggregate classification (germline): Uncertain significance (1 of 4 stars; one submission).

Allele frequency attached by ClinVar (database versions not stated): ExAC 0.00002.
gnomAD v4.1: 9 of 1,613,242 alleles (0.00056%); highest among the groups gnomAD compares: Admixed American, 0.013%; no homozygotes.

Submission:

Labcorp Genetics (formerly Invitae), Labcorp
Classification: Uncertain significance. Last evaluated: 2026-01-04. Review status: criteria provided, single submitter. Criteria: Invitae Variant Classification Sherloc (09022015). Collection method: clinical testing. Allele origin: germline.
Comment: This sequence change replaces glutamine, which is neutral and polar, with proline, which is neutral and non-polar, at codon 367 of the DEAF1 protein (p.Gln367Pro). This variant is present in population databases (rs762624710, gnomAD 0.02%). This missense change has been observed in individual(s) with clinical features of autosomal dominant DEAF1-related conditions (internal data). ClinVar contains an entry for this variant (Variation ID: 2042404). Invitae Evidence Modeling of protein sequence and biophysical properties (such as structural, functional, and spatial information, amino acid conservation, physicochemical variation, residue mobility, and thermodynamic stability) indicates that this missense variant is not expected to disrupt DEAF1 protein function with a negative predictive value of 80%. In summary, the available evidence is currently insufficient to determine the role of this variant in disease. Therefore, it has been classified as a Variant of Uncertain Significance.